The following is an entry in ClinVar:

NM_016143.5(NSFL1C):c.664C>T (p.Leu222Phe)

Gene: NSFL1C (NSFL1 cofactor; minus strand). Cytogenetic location: 20p13.
Variant type: single nucleotide variant.
Coding change: c.664C>T on transcript NM_016143.5 (MANE Select); coding-DNA position 664, C replaced by T.
Protein change: p.Leu222Phe; replaces leucine 222 with phenylalanine.
Molecular consequence: missense variant. On other transcripts: non-coding transcript variant (1).
Genome position (GRCh38, 1-based): chr20:1,452,614, G>A on the plus strand (C>T on the coding strand, the complement: NSFL1C is on the minus strand). VCF-style: chr20-1452614-G-A. GRCh37 (hg19) VCF-style: chr20-1433259-G-A.
Other names: c.670C>T, p.Leu224Phe (NM_001206736.2); c.571C>T, p.Leu191Phe (NM_018839.5); short protein forms L191F, L222F, L224F.
Identifiers: ClinVar variation 710948 (VCV000710948.28), dbSNP rs145945037, ClinGen allele CA9727750.

ClinVar aggregate classification (germline): Likely benign. Review status: criteria provided, multiple submitters, no conflicts (2 of 4 stars). 3 submissions from 3 submitters: Likely benign (3). Last evaluated 2022-10-01.

Allele frequency attached by ClinVar (database versions not stated): ESP Exome Variant Server 0.00308; 1000 Genomes Project 0.00319; gnomAD 0.00338; TOPMed 0.00348; ExAC 0.00365; gnomAD exomes 0.00376 and 0.00500; 1000 Genomes Project 30x 0.00390.
gnomAD v4.1: 7,792 of 1,614,170 alleles (0.48%); highest among the groups gnomAD compares: Non-Finnish European, 0.56%; 24 homozygotes.

Submissions (3):

CeGaT Center for Human Genetics Tuebingen
Classification: Likely benign. Last evaluated: 2022-10-01. Review status: criteria provided, single submitter. Criteria: CeGaT Center For Human Genetics Tuebingen Variant Classification Criteria Version 2. Collection method: clinical testing. Allele origin: germline. Affected: yes. Observed: 1 variant allele.
Comment: NSFL1C: BS2

Labcorp Genetics (formerly Invitae), Labcorp
Classification: Likely benign. Last evaluated: 2018-05-25. Review status: criteria provided, single submitter. Criteria: Invitae Variant Classification Sherloc (09022015). Collection method: clinical testing. Allele origin: germline.

Breakthrough Genomics
Classification: Likely benign. Review status: criteria provided, single submitter. Criteria: ACMG Guidelines, 2015. Collection method: not provided. Allele origin: germline. Inheritance: Unknown mechanism. Affected: yes.